The following is an entry in ClinVar:

ClinVar aggregate classification (germline): Uncertain significance (1 of 4 stars; one submission).

Submission:

Ambry Genetics
Classification: Uncertain significance. Last evaluated: 2025-01-30. Review status: criteria provided, single submitter. Criteria: Ambry Variant Classification Scheme 2023. Collection method: clinical testing. Allele origin: germline.
Comment: The p.M49R variant (also known as c.146T>G), located in coding exon 1 of the GEN1 gene, results from a T to G substitution at nucleotide position 146. The methionine at codon 49 is replaced by arginine, an amino acid with similar properties. This amino acid position is conserved. In addition, this alteration is predicted to be tolerated by in silico analysis. Based on the available evidence, the clinical significance of this variant remains unclear.

NM_001130009.3(GEN1):c.146T>G (p.Met49Arg)

Gene: GEN1 (GEN1 Holliday junction 5' flap endonuclease; plus strand). Cytogenetic location: 2p24.2.
Variant type: single nucleotide variant.
Coding change: c.146T>G on transcript NM_001130009.3 (MANE Select); coding-DNA position 146, T replaced by G.
Protein change: p.Met49Arg; replaces methionine 49 with arginine.
Molecular consequence: missense variant.
Genome position (GRCh38, 1-based): chr2:17,760,089, T>G. VCF-style: chr2-17760089-T-G. GRCh37 (hg19) VCF-style: chr2-17941356-T-G.
Other names: c.146T>G, p.Met49Arg (NM_182625.5); short protein forms M49R.
Identifiers: ClinVar variation 3853538 (VCV003853538.1).